The following is an entry in ClinVar:

NM_000545.8(HNF1A):c.811del (p.Arg271fs)

Gene: HNF1A (HNF1 homeobox A; plus strand). Cytogenetic location: 12q24.31.
Variant type: Deletion.
Coding change: c.811del on transcript NM_000545.8 (MANE Select); coding-DNA position 811, one base deleted (C; older notation c.811delC).
Protein change: p.Arg271fs; shifts the reading frame from arginine 271.
Molecular consequence: frameshift variant.
Genome position (GRCh38, 1-based): chr12:120,994,261, C deleted; the last of 2 consecutive C bases (chr12:120,994,260-120,994,261); deleting either gives the same sequence. VCF-style (leftmost placement, unchanged base first): chr12-120994259-AC-A. GRCh37 (hg19) VCF-style: chr12-121432062-AC-A.
Other names: NM_001306179.2:c.811del; c.811del, p.Arg271fs (NM_001306179.2); short protein forms R271fs.
Identifiers: ClinVar variation 1676715 (VCV001676715.5), dbSNP rs2135841855, ClinGen allele CA915940438.

ClinVar aggregate classification (germline): Likely pathogenic. Review status: reviewed by expert panel (3 of 4 stars). 2 submissions from 2 submitters: Likely pathogenic (1). 1 of the submissions does not count toward it. Last evaluated 2022-04-12.

Conditions:
Monogenic diabetes. Identifiers: Orphanet 183625, MedGen C3888631, MONDO:0015967.

Submissions (2):

ClinGen Monogenic Diabetes Variant Curation Expert Panel
Classification: Likely pathogenic for Monogenic diabetes. Last evaluated: 2022-04-12. Review status: reviewed by expert panel. Criteria: ClinGen Diabetes ACMG Specifications v1 1. Collection method: curation. Allele origin: germline. Inheritance: Autosomal dominant inheritance.
Comment: The c.811del variant in the HNF1 homeobox A gene, HNF1A, causes a frameshift in the protein at codon 271 NM_000545.8, adding 71 novel amino acids before encountering a stop codon (p.(Arg271GlyfsTer71). This variant, located in biologically-relevant exon 4 of 10, is predicted to lead to nonsense mediated decay in a gene in which loss-of-function is an established disease mechanism (PVS1; PMID: 23348805). This variant is absent from gnomAD v2.1.1 (PM2_Supporting). This variant was identified in an individual with a clinical history suggestive of HNF1A-MODY (MODY probability calculator result >50%); however, HNF4A was not tested, and PP4 will not be applied (PMID: 16917892, internal lab contributors). In summary, c.811delC meets the criteria to be classified as likely pathogenic for monogenic diabetes. ACMG/AMP criteria applied, as specified by the ClinGen MDEP (specification version 1.1, approved 9/30/21): PVS1, PM2_Supporting.

GeneDx
Classification: Pathogenic. Last evaluated: 2022-07-27. Review status: criteria provided, single submitter. Criteria: GeneDx Variant Classification Process June 2021. Collection method: clinical testing. Allele origin: germline. Affected: yes. Not counted in ClinVar's aggregate classification.
Comment: Frameshift variant predicted to result in protein truncation or nonsense mediated decay in a gene for which loss of function is a known mechanism of disease; Not observed at significant frequency in large population cohorts (gnomAD); This variant is associated with the following publications: (PMID: 16917892)